The following is an entry in ClinVar:

NM_144666.3(DNHD1):c.9211G>A (p.Gly3071Ser)

Gene: DNHD1 (dynein heavy chain domain 1; plus strand). Cytogenetic location: 11p15.4.
Variant type: single nucleotide variant.
Coding change: c.9211G>A on transcript NM_144666.3 (MANE Select); coding-DNA position 9211, G replaced by A.
Protein change: p.Gly3071Ser; replaces glycine 3071 with serine.
Molecular consequence: missense variant.
Genome position (GRCh38, 1-based): chr11:6,558,693, G>A. VCF-style: chr11-6558693-G-A. GRCh37 (hg19) VCF-style: chr11-6579923-G-A.
Other names: short protein forms G3071S.
Identifiers: ClinVar variation 3051537 (VCV003051537.2), dbSNP rs375855514, ClinGen allele CA5856370.

ClinVar aggregate classification (germline): Likely benign (0 of 4 stars; one submission).

Conditions:
DNHD1-related disorder. Also called: DNHD1-related condition.

Allele frequency attached by ClinVar (database versions not stated): TOPMed 0.00008; ESP Exome Variant Server 0.00022; gnomAD 0.00023; gnomAD exomes 0.00042; 1000 Genomes Project 30x 0.00062; 1000 Genomes Project 0.00080; ExAC 0.00296.
gnomAD v4.1: 619 of 1,548,810 alleles (0.04%); highest among the groups gnomAD compares: South Asian, 0.64%; 8 homozygotes.

Submission:

PreventionGenetics, part of Exact Sciences
Classification: Likely benign for DNHD1-related condition. Last evaluated: 2020-03-13. Review status: no assertion criteria provided. Collection method: clinical testing. Allele origin: germline.
Comment: This variant is classified as likely benign based on ACMG/AMP sequence variant interpretation guidelines (Richards et al. 2015 PMID: 25741868, with internal and published modifications).